The following is an entry in ClinVar:

NM_000435.3(NOTCH3):c.932G>A (p.Cys311Tyr)

Gene: NOTCH3 (notch receptor 3; minus strand). Cytogenetic location: 19p13.12.
Variant type: single nucleotide variant.
Coding change: c.932G>A on transcript NM_000435.3 (MANE Select); coding-DNA position 932, G replaced by A.
Protein change: p.Cys311Tyr; replaces cysteine 311 with tyrosine.
Molecular consequence: missense variant.
Genome position (GRCh38, 1-based): chr19:15,191,528, C>T on the plus strand (G>A on the coding strand, the complement: NOTCH3 is on the minus strand). VCF-style: chr19-15191528-C-T. GRCh37 (hg19) VCF-style: chr19-15302339-C-T.
Other names: short protein forms C311Y.
Identifiers: ClinVar variation 2498762 (VCV002498762.28), dbSNP rs1555729346, ClinGen allele CA404531162.

ClinVar aggregate classification (germline): Pathogenic (1 of 4 stars; one submission).

Submission:

CeGaT Center for Human Genetics Tuebingen
Classification: Pathogenic. Last evaluated: 2024-07-01. Review status: criteria provided, single submitter. Criteria: CeGaT Center For Human Genetics Tuebingen Variant Classification Criteria Version 2. Collection method: clinical testing. Allele origin: germline. Affected: yes. Observed: 2 variant alleles.
Comment: NOTCH3: PM1:Strong, PM2, PM5, PP3, PP4, PS4:Supporting